The following is an entry in ClinVar:

NM_001042492.3(NF1):c.8244A>T (p.Glu2748Asp)

Gene: NF1 (neurofibromin 1; plus strand). Cytogenetic location: 17q11.2.
Variant type: single nucleotide variant.
Coding change: c.8244A>T on transcript NM_001042492.3 (MANE Select); coding-DNA position 8244, A replaced by T.
Protein change: p.Glu2748Asp; replaces glutamic acid 2748 with aspartic acid.
Molecular consequence: missense variant.
Genome position (GRCh38, 1-based): chr17:31,360,570, A>T. VCF-style: chr17-31360570-A-T. GRCh37 (hg19) VCF-style: chr17-29687588-A-T.
Other names: c.8181A>T, p.Glu2727Asp (NM_000267.4); short protein forms E2727D, E2748D.
Identifiers: ClinVar variation 237604 (VCV000237604.6), dbSNP rs878853919, ClinGen allele CA10583530.

ClinVar aggregate classification (germline): Uncertain significance. Review status: criteria provided, multiple submitters, no conflicts (2 of 4 stars). 3 submissions from 3 submitters: Uncertain significance (3). Last evaluated 2024-03-29.

Conditions:
Neurofibromatosis, type 1 (NF1). Also called: VON RECKLINGHAUSEN DISEASE; NEUROFIBROMATOSIS, TYPE I, SOMATIC; Peripheral type neurofibromatosis; Neurofibromatosis, type I. Identifiers: Orphanet 636, MedGen C0027831, MONDO:0018975, OMIM 162200. Disease mechanism: loss of function.
Hereditary cancer-predisposing syndrome. Also called: Tumor predisposition; Hereditary Cancer Syndrome; Hereditary neoplastic syndrome; Neoplastic Syndromes, Hereditary. Identifiers: Orphanet 140162, MedGen C0027672, MeSH D009386, MONDO:0015356.
Juvenile myelomonocytic leukemia (JMML). Also called: LEUKEMIA, JUVENILE MYELOMONOCYTIC, SOMATIC. Identifiers: Orphanet 86834, MedGen C0349639, MONDO:0011908, OMIM 607785, HP:0012209.

Submissions (3):

Labcorp Genetics (formerly Invitae), Labcorp
Classification: Uncertain significance for Neurofibromatosis, type 1. Last evaluated: 2024-03-29. Review status: criteria provided, single submitter. Criteria: Invitae Variant Classification Sherloc (09022015). Collection method: clinical testing. Allele origin: germline.
Comment: This sequence change replaces glutamic acid, which is acidic and polar, with aspartic acid, which is acidic and polar, at codon 2727 of the NF1 protein (p.Glu2727Asp). This variant is not present in population databases (gnomAD no frequency). This variant has not been reported in the literature in individuals affected with NF1-related conditions. ClinVar contains an entry for this variant (Variation ID: 237604). Advanced modeling of protein sequence and biophysical properties (such as structural, functional, and spatial information, amino acid conservation, physicochemical variation, residue mobility, and thermodynamic stability) performed at Invitae indicates that this missense variant is not expected to disrupt NF1 protein function with a negative predictive value of 95%. In summary, the available evidence is currently insufficient to determine the role of this variant in disease. Therefore, it has been classified as a Variant of Uncertain Significance.

Baylor Genetics
Classification: Uncertain significance for Juvenile myelomonocytic leukemia. Last evaluated: 2023-08-02. Review status: criteria provided, single submitter. Criteria: ACMG Guidelines, 2015. Collection method: clinical testing. Allele origin: unknown.

Institute for Biomarker Research, Medical Diagnostic Laboratories, L.L.C.
Classification: Uncertain significance for Hereditary cancer-predisposing syndrome. Last evaluated: 2023-03-21. Review status: criteria provided, single submitter. Criteria: ACMG Guidelines, 2015. Collection method: clinical testing. Allele origin: germline.